The following is an entry in ClinVar:

ClinVar aggregate classification (germline): Uncertain significance. Review status: criteria provided, multiple submitters, no conflicts (2 of 4 stars). 2 submissions from 2 submitters: Uncertain significance (2). Last evaluated 2022-06-09.

Conditions:
Timothy syndrome (TS). Also called: LONG QT SYNDROME WITH SYNDACTYLY. Identifiers: Orphanet 65283, MedGen C1832916, MeSH C536962, MONDO:0010979, OMIM 601005.

Submissions (2):

Laboratorio de Genetica e Diagnostico Molecular, Hospital Israelita Albert Einstein
Classification: Uncertain significance for Timothy syndrome. Last evaluated: 2022-06-09. Review status: criteria provided, single submitter. Criteria: ACMG Guidelines, 2015. Collection method: clinical testing. Allele origin: germline. Affected: yes. Observed: 1 variant allele.
Comment: ACMG classification criteria: PM2 moderated

GeneDx
Classification: Uncertain significance. Last evaluated: 2018-02-23. Review status: criteria provided, single submitter. Criteria: GeneDx Variant Classification (06012015). Collection method: clinical testing. Allele origin: germline. Affected: yes.
Comment: The R1910X variant in the CACNA1C gene has not been reported previously as a pathogenic variant nor as a benign variant, to our knowledge. This variant is predicted to cause loss of normal protein function either through protein truncation or nonsense-mediated mRNA decay. The R1910X variant is not observed in large population cohorts (Lek et al., 2016). We interpret R1910X as a variant of uncertain significance.

NM_000719.7(CACNA1C):c.5728C>T (p.Arg1910Ter)

Genes: CACNA1C (calcium voltage-gated channel subunit alpha1 C; plus strand), CACNA1C-AS1 (CACNA1C antisense RNA 1; minus strand). Cytogenetic location: 12p13.33.
Variant type: single nucleotide variant.
Coding change: c.5728C>T on transcript NM_000719.7 (MANE Select); coding-DNA position 5728, C replaced by T.
Protein change: p.Arg1910Ter; replaces arginine 1910 with a stop codon.
Molecular consequence: nonsense.
Genome position (GRCh38, 1-based): chr12:2,686,213, C>T. VCF-style: chr12-2686213-C-T. GRCh37 (hg19) VCF-style: chr12-2795379-C-T.
Other names: c.5785C>T, p.Arg1929Ter (NM_001129835.2, NM_001129833.2, NM_001129834.2); c.5779C>T, p.Arg1927Ter (NM_001129836.2); c.5752C>T, p.Arg1918Ter (NM_001129837.2, NM_001129838.2); c.5746C>T, p.Arg1916Ter (NM_001129839.2); c.5728C>T, p.Arg1910Ter (NM_001129840.2, NM_001129841.2, NM_001129842.2 and 2 more transcripts); c.5719C>T, p.Arg1907Ter (NM_001129844.2); c.5695C>T, p.Arg1899Ter (NM_001129846.2); c.5833C>T, p.Arg1945Ter (NM_001167624.3, NM_001129830.3); and 6 more; short protein forms R1910*, R1945*, R1958*, R1907*, R1951*, R1899*, R1918*, R1927*.
Identifiers: ClinVar variation 504362 (VCV000504362.3), dbSNP rs1556291640, ClinGen allele CA383382637.